The following is an entry in ClinVar:

NM_004370.6(COL12A1):c.7391A>G (p.Asp2464Gly)

Gene: COL12A1 (collagen type XII alpha 1 chain; minus strand). Cytogenetic location: 6q13.
Variant type: single nucleotide variant.
Coding change: c.7391A>G on transcript NM_004370.6 (MANE Select); coding-DNA position 7391, A replaced by G.
Protein change: p.Asp2464Gly; replaces aspartic acid 2464 with glycine.
Molecular consequence: missense variant.
Genome position (GRCh38, 1-based): chr6:75,117,510, T>C on the plus strand (A>G on the coding strand, the complement: COL12A1 is on the minus strand). VCF-style: chr6-75117510-T-C. GRCh37 (hg19) VCF-style: chr6-75827226-T-C.
Other names: c.7391A>G, p.Asp2464Gly (NM_001424113.1); c.7370A>G, p.Asp2457Gly (NM_001424114.1); c.7118A>G, p.Asp2373Gly (NM_001424115.1); c.3899A>G, p.Asp1300Gly (NM_001424116.1, NM_080645.3); short protein forms D1300G, D2373G, D2457G, D2464G.
Identifiers: ClinVar variation 3758033 (VCV003758033.2).

ClinVar aggregate classification (germline): Uncertain significance (1 of 4 stars; one submission).

Conditions:
Ullrich congenital muscular dystrophy 2 (UCMD2). Identifiers: Orphanet 75840, MedGen C4225314, MONDO:0014654, OMIM 616470.
Bethlem myopathy 2 (BTHLM2). Identifiers: Orphanet 536516, Orphanet 610, MedGen C4225313, MONDO:0034022, OMIM 616471.

Submission:

Labcorp Genetics (formerly Invitae), Labcorp
Classification: Uncertain significance for Bethlem myopathy 2; Ullrich congenital muscular dystrophy 2. Last evaluated: 2024-12-05. Review status: criteria provided, single submitter. Criteria: Invitae Variant Classification Sherloc (09022015). Collection method: clinical testing. Allele origin: germline.
Comment: This sequence change replaces aspartic acid, which is acidic and polar, with glycine, which is neutral and non-polar, at codon 2464 of the COL12A1 protein (p.Asp2464Gly). This variant is not present in population databases (gnomAD no frequency). This variant has not been reported in the literature in individuals affected with COL12A1-related conditions. Invitae Evidence Modeling of protein sequence and biophysical properties (such as structural, functional, and spatial information, amino acid conservation, physicochemical variation, residue mobility, and thermodynamic stability) indicates that this missense variant is not expected to disrupt COL12A1 protein function with a negative predictive value of 80%. In summary, the available evidence is currently insufficient to determine the role of this variant in disease. Therefore, it has been classified as a Variant of Uncertain Significance.